The following is an entry in ClinVar:

ClinVar aggregate classification (germline): Uncertain significance. Review status: criteria provided, multiple submitters, no conflicts (2 of 4 stars). 4 submissions from 4 submitters: Uncertain significance (4). Last evaluated 2025-02-27.

Conditions:
Cardiovascular phenotype. Identifiers: MedGen CN230736.
Cardiac arrhythmia, ankyrin-B-related. Also called: ANKYRIN-B SYNDROME. Identifiers: Orphanet 101016, Orphanet 768, MedGen C1970119, MONDO:0010958, OMIM 600919.
Long QT syndrome (LQTS). Identifiers: MedGen C0023976, MeSH D008133, MONDO:0002442. Disease mechanism: loss of function. Inheritance: Various modes of inheritance.

Allele frequency attached by ClinVar (database versions not stated): gnomAD 0.00001; gnomAD exomes 0.00001; TOPMed 0.00001; ExAC 0.00002; ESP Exome Variant Server 0.00008.
gnomAD v4.1: 4 of 1,613,236 alleles (0.00025%); highest among the groups gnomAD compares: Non-Finnish European, 0.00034%; no homozygotes.

Submissions (4):

Ambry Genetics
Classification: Uncertain significance for Cardiovascular phenotype. Last evaluated: 2025-02-27. Review status: criteria provided, single submitter. Criteria: Ambry Variant Classification Scheme 2023. Collection method: clinical testing. Allele origin: germline.
Comment: The p.V1417I variant (also known as c.4249G>A) is located in coding exon 35 of the ANK2 gene. The valine at codon 1417 is replaced by isoleucine, an amino acid with highly similar properties. This change occurs in the first base pair of coding exon 35. This amino acid position is conserved. In addition, this alteration is predicted to be tolerated by in silico analysis. Based on the available evidence, the clinical significance of this variant remains unclear.

Labcorp Genetics (formerly Invitae), Labcorp
Classification: Uncertain significance for Long QT syndrome. Last evaluated: 2021-10-03. Review status: criteria provided, single submitter. Criteria: Invitae Variant Classification Sherloc (09022015). Collection method: clinical testing. Allele origin: germline.
Comment: This variant has not been reported in the literature in individuals affected with ANK2-related conditions. In summary, the available evidence is currently insufficient to determine the role of this variant in disease. Therefore, it has been classified as a Variant of Uncertain Significance. Algorithms developed to predict the effect of sequence changes on RNA splicing suggest that this variant may disrupt the consensus splice site. Algorithms developed to predict the effect of missense changes on protein structure and function are either unavailable or do not agree on the potential impact of this missense change (SIFT: "Tolerated"; PolyPhen-2: "Possibly Damaging"; Align-GVGD: "Class C0"). This variant is present in population databases (rs201966564, ExAC 0.004%). This sequence change replaces valine with isoleucine at codon 1417 of the ANK2 protein (p.Val1417Ile). The valine residue is moderately conserved and there is a small physicochemical difference between valine and isoleucine.

Fulgent Genetics
Classification: Uncertain significance for Cardiac arrhythmia, ankyrin-B-related. Last evaluated: 2021-07-23. Review status: criteria provided, single submitter. Criteria: ACMG Guidelines, 2015. Collection method: clinical testing. Allele origin: unknown.

GeneDx
Classification: Uncertain significance. Last evaluated: 2020-03-26. Review status: criteria provided, single submitter. Criteria: GeneDx Variant Classification Process June 2021. Collection method: clinical testing. Allele origin: germline. Affected: yes.
Comment: Not observed at a significant frequency in large population cohorts (Lek et al., 2016); In silico analysis supports that this missense variant does not alter protein structure/function; Has not been previously published as pathogenic or benign to our knowledge

NM_001148.6(ANK2):c.4249G>A (p.Val1417Ile)

Gene: ANK2 (ankyrin 2; plus strand). Cytogenetic location: 4q26.
Variant type: single nucleotide variant.
Coding change: c.4249G>A on transcript NM_001148.6 (MANE Select); coding-DNA position 4249, G replaced by A.
Protein change: p.Val1417Ile; replaces valine 1417 with isoleucine.
Molecular consequence: missense variant.
Genome position (GRCh38, 1-based): chr4:113,345,900, G>A. VCF-style: chr4-113345900-G-A. GRCh37 (hg19) VCF-style: chr4-114267056-G-A.
Other names: c.4222G>A, p.Val1408Ile (NM_001127493.3); c.4261G>A, p.Val1421Ile (NM_001354225.2); c.4150G>A, p.Val1384Ile (NM_001354228.2, NM_001354258.2); c.4228G>A, p.Val1410Ile (NM_001354230.2); c.4291G>A, p.Val1431Ile (NM_001354231.2, NM_001354242.2); c.4285G>A, p.Val1429Ile (NM_001354232.2); c.4246G>A, p.Val1416Ile (NM_001354235.2, NM_001354246.2, NM_001354265.2); c.4147G>A, p.Val1383Ile (NM_001354236.2); and 31 more; short protein forms V1408I, V1417I, V1322I, V1330I, V1346I, V1351I, V1370I, V1384I.
Identifiers: ClinVar variation 457036 (VCV000457036.11), dbSNP rs201966564, ClinGen allele CA3051028.
Genomic context (GRCh38, chr4:113,345,900, plus strand): 5'-AGTTAAAGTAAATACTGCAAATCAAATGTGGGTGAAGCATGTATGTCTTTCTTGTTCAAG[G>A]TACGCGATACGACTCAGGAACCTTGCGGACGACTATCATTTATGAAGGAGCCAAAATCCA-3'
Protein context (NP_001139.3, residues 1407-1427): KENRLPLFVK[Val1417Ile]RDTTQEPCGR